The following is an entry in ClinVar:

NM_017672.6(TRPM7):c.2440G>T (p.Val814Leu)

Gene: TRPM7 (transient receptor potential cation channel subfamily M member 7; minus strand). Cytogenetic location: 15q21.2.
Variant type: single nucleotide variant.
Coding change: c.2440G>T on transcript NM_017672.6 (MANE Select); coding-DNA position 2440, G replaced by T.
Protein change: p.Val814Leu; replaces valine 814 with leucine.
Molecular consequence: missense variant. On other transcripts: non-coding transcript variant (3).
Genome position (GRCh38, 1-based): chr15:50,609,721, C>A on the plus strand (G>T on the coding strand, the complement: TRPM7 is on the minus strand). VCF-style: chr15-50609721-C-A. GRCh37 (hg19) VCF-style: chr15-50901918-C-A.
Other names: c.2440G>T, p.Val814Leu (NM_001301212.2); short protein forms V814L.
Identifiers: ClinVar variation 3370049 (VCV003370049.1).

ClinVar aggregate classification (germline): Uncertain significance (1 of 4 stars; one submission).

gnomAD v4.1: 1 of 1,560,458 alleles (0.000064%); no homozygotes.

Submission:

GeneDx
Classification: Uncertain significance. Last evaluated: 2023-12-20. Review status: criteria provided, single submitter. Criteria: GeneDx Variant Classification Process June 2021. Collection method: clinical testing. Allele origin: germline. Affected: yes.
Comment: Not observed at significant frequency in large population cohorts (gnomAD); In silico analysis supports that this missense variant does not alter protein structure/function; Has not been previously published as pathogenic or benign to our knowledge